The following is an entry in ClinVar:

NM_024422.6(DSC2):c.205C>A (p.Pro69Thr)

Gene: DSC2 (desmocollin 2; minus strand). Cytogenetic location: 18q12.1.
Variant type: single nucleotide variant.
Coding change: c.205C>A on transcript NM_024422.6 (MANE Select); coding-DNA position 205, C replaced by A.
Protein change: p.Pro69Thr; replaces proline 69 with threonine.
Molecular consequence: missense variant. On other transcripts: 5 prime UTR variant (2).
Genome position (GRCh38, 1-based): chr18:31,092,250, G>T on the plus strand (C>A on the coding strand, the complement: DSC2 is on the minus strand). VCF-style: chr18-31092250-G-T. GRCh37 (hg19) VCF-style: chr18-28672213-G-T.
Other names: c.-225C>A (NM_001406506.1, NM_001406507.1); c.205C>A, p.Pro69Thr (NM_004949.5); short protein forms P69T.
Identifiers: ClinVar variation 2984605 (VCV002984605.3), dbSNP rs1987627721, ClinGen allele CA402114889.

ClinVar aggregate classification (germline): Uncertain significance (1 of 4 stars; one submission).

Conditions:
Arrhythmogenic right ventricular dysplasia 11. Also called: ARRHYTHMOGENIC RIGHT VENTRICULAR DYSPLASIA, FAMILIAL, 11; Arrhythmogenic Right Ventricular Dysplasia/Cardiomyopathy11; Arrhythmogenic right ventricular dysplasia 11 with mild palmoplantar keratoderma and woolly hair. Identifiers: MedGen C1864850, MONDO:0012506, OMIM 610476.

Submission:

Labcorp Genetics (formerly Invitae), Labcorp
Classification: Uncertain significance for Arrhythmogenic right ventricular dysplasia 11. Last evaluated: 2022-12-14. Review status: criteria provided, single submitter. Criteria: Invitae Variant Classification Sherloc (09022015). Collection method: clinical testing. Allele origin: germline.
Comment: Advanced modeling of protein sequence and biophysical properties (such as structural, functional, and spatial information, amino acid conservation, physicochemical variation, residue mobility, and thermodynamic stability) has been performed at Invitae for this missense variant, however the output from this modeling did not meet the statistical confidence thresholds required to predict the impact of this variant on DSC2 protein function. This variant has not been reported in the literature in individuals affected with DSC2-related conditions. This variant is not present in population databases (gnomAD no frequency). This sequence change replaces proline, which is neutral and non-polar, with threonine, which is neutral and polar, at codon 69 of the DSC2 protein (p.Pro69Thr). In summary, the available evidence is currently insufficient to determine the role of this variant in disease. Therefore, it has been classified as a Variant of Uncertain Significance.